The following is an entry in ClinVar:

NM_201384.3(PLEC):c.5917C>T (p.Arg1973Trp)

Gene: PLEC (plectin; minus strand). Cytogenetic location: 8q24.3.
Variant type: single nucleotide variant.
Coding change: c.5917C>T on transcript NM_201384.3 (MANE Select); coding-DNA position 5917, C replaced by T.
Protein change: p.Arg1973Trp; replaces arginine 1973 with tryptophan.
Molecular consequence: missense variant.
Genome position (GRCh38, 1-based): chr8:143,924,012, G>A on the plus strand (C>T on the coding strand, the complement: PLEC is on the minus strand). VCF-style: chr8-143924012-G-A. GRCh37 (hg19) VCF-style: chr8-144998180-G-A.
Other names: c.5998C>T (NM_000445.4); c.5998C>T, p.Arg2000Trp (NM_000445.5); c.5875C>T, p.Arg1959Trp (NM_201378.4); c.5851C>T, p.Arg1951Trp (NM_201379.3); c.6328C>T, p.Arg2110Trp (NM_201380.4); c.5821C>T, p.Arg1941Trp (NM_201381.3); c.5917C>T, p.Arg1973Trp (NM_201382.4); c.5929C>T, p.Arg1977Trp (NM_201383.3); short protein forms R2110W, R1941W, R1951W, R1959W, R1973W, R1977W, R2000W.
Identifiers: ClinVar variation 8262 (VCV000008262.17), dbSNP rs80338756, ClinGen allele CA340759.

ClinVar aggregate classification (germline): Pathogenic. Review status: criteria provided, multiple submitters, no conflicts (2 of 4 stars). 9 submissions from 9 submitters: Pathogenic (7). 2 of the submissions do not count toward it. Last evaluated 2025-12-17.

Conditions:
Epidermolysis bullosa simplex, Ogna type (EBS5A). Also called: Pidermolysis bullosa simplex 5A, Ogna type; EPIDERMOLYSIS BULLOSA SIMPLEX 5A, OGNA TYPE. Identifiers: Orphanet 79401, MedGen C0432317, MONDO:0007555, OMIM 131950.
PLEC-related disorder. Also called: PLEC-related disorders; PLEC-related condition.
Simplex epidermolysis bullosa_Ogna type.
Autosomal recessive limb-girdle muscular dystrophy type 2Q (LGMDR17). Also called: MUSCULAR DYSTROPHY, LIMB-GIRDLE, AUTOSOMAL RECESSIVE 17. Identifiers: Orphanet 254361, MedGen C3150989, MONDO:0013390, OMIM 613723.
Epidermolysis bullosa simplex with nail dystrophy (EBS5D). Identifiers: MedGen C4225309, MONDO:0014661, OMIM 616487.
Epidermolysis bullosa simplex 5C, with pyloric atresia (EBS5C). Also called: PLEC1-Related Epidermolysis Bullosa with Pyloric Atresia; PLEC-Related Epidermolysis Bullosa with Pyloric Atresia; Epidermolysis bullosa simplex with pyloric atresia. Identifiers: Orphanet 158684, MedGen C2677349, MONDO:0012807, OMIM 612138.
Epidermolysis bullosa simplex 5B, with muscular dystrophy (EBS5B). Also called: EPIDERMOLYSIS BULLOSA SIMPLEX AND LIMB-GIRDLE MUSCULAR DYSTROPHY; Epidermolysis bullosa simplex with muscular dystrophy. Identifiers: Orphanet 257, MedGen C2931072, MONDO:0009181, OMIM 226670.

Allele frequency attached by ClinVar (database versions not stated): gnomAD 0.00001.
gnomAD v4.1: 5 of 1,588,138 alleles (0.00031%); highest among the groups gnomAD compares: Admixed American, 0.0034%; no homozygotes.

Submissions (9):

Labcorp Genetics (formerly Invitae), Labcorp
Classification: Pathogenic for Autosomal recessive limb-girdle muscular dystrophy type 2Q; Epidermolysis bullosa simplex, Ogna type; Epidermolysis bullosa simplex with nail dystrophy; Epidermolysis bullosa simplex 5C, with pyloric atresia; Epidermolysis bullosa simplex 5B, with muscular dystrophy. Last evaluated: 2025-12-17. Review status: criteria provided, single submitter. Criteria: Invitae Variant Classification Sherloc (09022015). Collection method: clinical testing. Allele origin: germline.
Comment: This sequence change replaces arginine, which is basic and polar, with tryptophan, which is neutral and slightly polar, at codon 2000 of the PLEC protein (p.Arg2000Trp). This variant is not present in population databases (gnomAD no frequency). This missense change has been observed in individuals with clinical features of autosomal dominant epidermolysis bullosa (PMID: 11851880, 22854623, 29453417). It has also been observed to segregate with disease in related individuals. This variant is also known as R2110W. ClinVar contains an entry for this variant (Variation ID: 8262). Experimental studies and prediction algorithms are not available or were not evaluated, and the functional significance of this variant is currently unknown. For these reasons, this variant has been classified as Pathogenic.

3billion
Classification: Pathogenic for Epidermolysis bullosa simplex, Ogna type. Last evaluated: 2024-07-12. Review status: criteria provided, single submitter. Criteria: ACMG Guidelines, 2015. Collection method: clinical testing. Allele origin: germline. Affected: yes.
Comment: The variant is observed at an extremely low frequency in the gnomAD v4.0.0 dataset (total allele frequency: <0.001%). Predicted Consequence/Location: Missense variant In silico tool predictions suggest damaging effect of the variant on gene or gene product [REVEL: 0.69 (>=0.6, sensitivity 0.68 and specificity 0.92)]. The same nucleotide change resulting in the same amino acid change has been previously reported as pathogenic/likely pathogenic with strong evidence (ClinVar ID: VCV000008262 /PMID: 11851880).The variant has been observed in multiple (>3) similarly affected unrelated individuals (PMID: 11851880, 22854623, 29453417).The variant has been reported to co-segregate with the disease in at least 7 similarly affected relatives/individuals in at least two unrelated families (PMID: 11851880, 22854623). Therefore, this variant is classified as Pathogenic according to the recommendation of ACMG/AMP guideline.

Molecular Genetics, Royal Melbourne Hospital
Classification: Pathogenic for Epidermolysis bullosa simplex, Ogna type. Last evaluated: 2023-07-07. Review status: criteria provided, single submitter. Criteria: ACMG Guidelines, 2015. Collection method: clinical testing. Allele origin: germline. Inheritance: Autosomal dominant inheritance. Affected: yes.
Comment: This sequence change in PLEC is predicted to replace arginine with tryptophan at codon 1973, p.(Arg1973Trp) (also known as p.Arg1999Trp, p.Arg2000Trp, p.Arg2110Trp). The arginine residue is moderately conserved (73/91 vertebrates, UCSC), and is located in the central fibrous rod domain. There is a large physicochemical difference between arginine and tryptophan. This variant is absent from the population database gnomAD v2.1 and present in a single Latino/Admixed American individual in gnomAD v3.1 (1/15,270 alleles). This variant was identified in the original epidermolysis bullosa simplex Ogna (EBS-Ogna) type Norwegian family segregating with disease and has been reported in multiple other affected families with evidence of co-segregation (PMID: 11851880, 23774525). This variant has been identified as a de novo occurrence with confirmed parental relationships in at least one individual with EBS-Ogna (PMID: 11851880). A knock-in mouse model of the variant recapitulates the human EBS-Ogna phenotype, including the development of microlesions and skin fragility (PMID: 22144912). Computational evidence predicts a deleterious effect for the missense substitution (REVEL = 0.689). Based on the classification scheme RMH Modified ACMG/AMP Guidelines v1.6.1, this variant is classified as PATHOGENIC. Following criteria are met: PS2, PP1_Strong, PS3_Moderate, PS4_Supporting, PM2_Supporting, PP3.

Blueprint Genetics
Classification: Pathogenic for PLEC-related disorders. Last evaluated: 2023-03-27. Review status: criteria provided, single submitter. Criteria: ACMG Guidelines, 2015. Collection method: clinical testing. Allele origin: germline. Affected: yes. Observed: 3 variant alleles.

GeneDx
Classification: Pathogenic. Last evaluated: 2022-12-12. Review status: criteria provided, single submitter. Criteria: GeneDx Variant Classification Process June 2021. Collection method: clinical testing. Allele origin: germline. Affected: yes.
Comment: Published functional studies demonstrate that the R2000W variant renders the PLEC protein's coiled-coil domain vulnerable to cleavage by calpains and other proteases in the epidermis; treatment with calpain inhibitors resulted in increased PLEC protein levels (Walko et al., 2011); Not observed at significant frequency in large population cohorts (gnomAD); Missense variant in a gene in which most reported pathogenic variants are truncating/loss of function; This variant is associated with the following publications: (PMID: 22854623, 23774525, 31001817, 11851880, 22144912, 29453417, 22864774)

Victorian Clinical Genetics Services, Murdoch Childrens Research Institute
Classification: Pathogenic for Epidermolysis bullosa simplex, Ogna type. Last evaluated: 2020-05-21. Review status: criteria provided, single submitter. Criteria: ACMG Guidelines, 2015. Collection method: clinical testing. Allele origin: germline. Affected: yes.
Comment: Based on the classification scheme VCGS_Germline_v1.1.1, this variant is classified as pathogenic. Following criteria are met: 0102 - Loss-of-function is a known mechanism of disease for this gene. (N) 0108 - This gene is known to be associated with both recessive and dominant disease. (N) 0200 - Variant is predicted to result in a missense amino acid change from arginine to tryptophan (exon 32). (N) 0251 - Variant is heterozygous. (N) 0302 - Variant is present in gnomAD <0.001 for a dominant condition (1 heterozygote, 0 homozygote). (P) 0309 - An alternative amino acid change at the same position has been observed in gnomAD (9 heterozygote, 0 homozygote). (N) 0501 - Missense variant consistently predicted to be damaging by multiple in silico tools or highly conserved with a major amino acid change. (P) 0600 - Variant is located in an annotated domain or motif, (rod domain; PMID: 23774525). (N) 0708 – A comparable missense variant (glutamine) has been previously classified as a variant of uncertain significance (ClinVar). (N) 0801 - Strong previous evidence of pathogenicity in multiple unrelated individuals with Ogna type epidermolysis bullosa simplex (ClinVar, PMID: 23774525, PMID: 22854623, PMID: 11851880). (P) 1002 - Moderate functional evidence supporting abnormal protein function. Mouse models demonstrated mutant protein was not detectable in skin, but was present in muscle (PMID: 22144912). (P) 1208 - Inheritance information for this variant is not currently available. (N) Legend: (P) - Pathogenic, (N) - Neutral, (B) - Benign

Biomedical Innovation Departament, CIEMAT
Classification: Pathogenic for Simplex epidermolysis bullosa_Ogna type. Last evaluated: 2016-03-21. Review status: criteria provided, single submitter. Criteria: ACMG Guidelines, 2015. Collection method: research. Allele origin: de novo. Affected: yes. Observed: 1 variant allele.

OMIM
Classification: Pathogenic for EPIDERMOLYSIS BULLOSA SIMPLEX 5A, OGNA TYPE. Last evaluated: 2002-01-01. Review status: no assertion criteria provided. Collection method: literature only. Allele origin: germline. Not counted in ClinVar's aggregate classification.

GeneReviews
No classification provided. Condition: Epidermolysis bullosa simplex, Ogna type. Review status: no classification provided. Collection method: literature only. Allele origin: unknown. Not counted in ClinVar's aggregate classification.

Literature cited by the submitters: PubMed 11851880 (cited by 6 submitters); PubMed 22854623 (cited by 3 submitters); PubMed 29453417 (cited by Labcorp Genetics (formerly Invitae), Labcorp and 3billion); PubMed 22144912 (cited by Molecular Genetics, Royal Melbourne Hospital and Victorian Clinical Genetics Services, Murdoch Childrens Research Institute); PubMed 23774525 (cited by Molecular Genetics, Royal Melbourne Hospital and Victorian Clinical Genetics Services, Murdoch Childrens Research Institute); Gedde-Dahl, T., Jr. Epidermolysis Bullosa: A Clinical, Genetic and Epidemiological Study. Baltimore: Johns Hopkins Press (pub.) 1971. (cited by OMIM); PubMed 32017015 (cited by OMIM); PubMed 15206692 (cited by GeneReviews); PubMed 20301336 (cited by GeneReviews); NCBI Bookshelf NBK1157 (cited by GeneReviews).